The following is an entry in ClinVar:

ClinVar aggregate classification (germline): Conflicting classifications of pathogenicity. Review status: criteria provided, conflicting classifications (1 of 4 stars). 2 submissions from 2 submitters: Uncertain significance (1); Likely benign (1). Last evaluated 2026-02-01.

Conditions:
Intellectual developmental disorder, autosomal dominant 52. Also called: Intellectual disability, autosomal dominant 52; Mental retardation, autosomal dominant 52. Identifiers: MedGen C4540478, MONDO:0030918, OMIM 617796.

gnomAD v4.1: 6 of 1,614,110 alleles (0.00037%); highest among the groups gnomAD compares: Non-Finnish European, 0.00051%; no homozygotes.

Submissions (2):

CeGaT Center for Human Genetics Tuebingen
Classification: Likely benign. Last evaluated: 2026-02-01. Review status: criteria provided, single submitter. Criteria: CeGaT Center For Human Genetics Tuebingen Variant Classification Criteria Version 2. Collection method: clinical testing. Allele origin: germline. Affected: yes. Observed: 1 variant allele.
Comment: ASH1L: BP4

University of Washington Department of Laboratory Medicine, University of Washington
Classification: Uncertain significance for Intellectual developmental disorder, autosomal dominant 52. Last evaluated: 2023-02-10. Review status: criteria provided, single submitter. Criteria: ACMG Guidelines, 2015. Collection method: clinical testing. Allele origin: unknown. Affected: yes.
Comment: The p.Ala246Pro variant in the ASH1L gene has not been previously reported in association with disease and was absent from large population databases, including the Genome Aggregation Database. In silico tools predict that the p.Ala246Pro variant does not impact protein function; however, these predictions have not been tested directly. Using ACMG guidelines, this variant was classified as a variant of uncertain significance (ACMG evidence codes used: PM2_supporting, BP4).

NM_018489.3(ASH1L):c.736G>C (p.Ala246Pro)

Gene: ASH1L (ASH1 like histone lysine methyltransferase; minus strand). Cytogenetic location: 1q22.
Variant type: single nucleotide variant.
Coding change: c.736G>C on transcript NM_018489.3 (MANE Select); coding-DNA position 736, G replaced by C.
Protein change: p.Ala246Pro; replaces alanine 246 with proline.
Molecular consequence: missense variant.
Genome position (GRCh38, 1-based): chr1:155,482,134, C>G on the plus strand (G>C on the coding strand, the complement: ASH1L is on the minus strand). VCF-style: chr1-155482134-C-G. GRCh37 (hg19) VCF-style: chr1-155451925-C-G.
Other names: c.736G>C, p.Ala246Pro (NM_001366177.2); c.736G>C (NM_018489.2); short protein forms A246P.
Identifiers: ClinVar variation 3777200 (VCV003777200.5).